The following is an entry in ClinVar:

NM_030773.4(TUBB1):c.372T>G (p.Ser124Arg)

Gene: TUBB1 (tubulin beta 1 class VI; plus strand). Cytogenetic location: 20q13.32.
Variant type: single nucleotide variant.
Coding change: c.372T>G on transcript NM_030773.4 (MANE Select); coding-DNA position 372, T replaced by G.
Protein change: p.Ser124Arg; replaces serine 124 with arginine.
Molecular consequence: missense variant.
Genome position (GRCh38, 1-based): chr20:59,023,799, T>G. VCF-style: chr20-59023799-T-G. GRCh37 (hg19) VCF-style: chr20-57598854-T-G.
Other names: short protein forms S124R.
Identifiers: ClinVar variation 2795574 (VCV002795574.3), dbSNP rs1470894566, ClinGen allele CA409466785.

ClinVar aggregate classification (germline): Uncertain significance (1 of 4 stars; one submission).

Allele frequency attached by ClinVar (database versions not stated): gnomAD 0.00002; TOPMed 0.00003.
gnomAD v4.1: 3 of 1,613,614 alleles (0.00019%); highest among the groups gnomAD compares: African/African-American, 0.004%; no homozygotes.

Submission:

Labcorp Genetics (formerly Invitae), Labcorp
Classification: Uncertain significance. Last evaluated: 2023-03-14. Review status: criteria provided, single submitter. Criteria: Invitae Variant Classification Sherloc (09022015). Collection method: clinical testing. Allele origin: germline.
Comment: Advanced modeling of protein sequence and biophysical properties (such as structural, functional, and spatial information, amino acid conservation, physicochemical variation, residue mobility, and thermodynamic stability) performed at Invitae indicates that this missense variant is expected to disrupt TUBB1 protein function. In summary, the available evidence is currently insufficient to determine the role of this variant in disease. Therefore, it has been classified as a Variant of Uncertain Significance. This sequence change replaces serine, which is neutral and polar, with arginine, which is basic and polar, at codon 124 of the TUBB1 protein (p.Ser124Arg). This variant is not present in population databases (gnomAD no frequency). This variant has not been reported in the literature in individuals affected with TUBB1-related conditions.